The following is an entry in ClinVar:

ClinVar aggregate classification (germline): Uncertain significance (1 of 4 stars; one submission).

Conditions:
Cataract 3 multiple types. Also called: CATARACT 3, MULTIPLE TYPES, WITH OR WITHOUT MICROCORNEA. Identifiers: Orphanet 1377, MedGen C1832175, MONDO:0011104, OMIM 601547.

Submission:

Labcorp Genetics (formerly Invitae), Labcorp
Classification: Uncertain significance for Cataract 3 multiple types. Last evaluated: 2025-10-18. Review status: criteria provided, single submitter. Criteria: Invitae Variant Classification Sherloc (09022015). Collection method: clinical testing. Allele origin: germline.
Comment: This sequence change replaces glycine, which is neutral and non-polar, with arginine, which is basic and polar, at codon 161 of the CRYBB2 protein (p.Gly161Arg). This variant is not present in population databases (gnomAD no frequency). This missense change has been observed in individual(s) with clinical features of CRYBB2-related disorders (PMID: 36939803). An algorithm developed to predict the effect of missense changes on protein structure and function (PolyPhen-2) suggests that this variant is likely to be disruptive. In summary, the available evidence is currently insufficient to determine the role of this variant in disease. Therefore, it has been classified as a Variant of Uncertain Significance.

Literature cited by the submitters: PubMed 36939803.

NM_000496.3(CRYBB2):c.481G>A (p.Gly161Arg)

Gene: CRYBB2 (crystallin beta B2; plus strand). Cytogenetic location: 22q11.23.
Variant type: single nucleotide variant.
Coding change: c.481G>A on transcript NM_000496.3 (MANE Select); coding-DNA position 481, G replaced by A.
Protein change: p.Gly161Arg; replaces glycine 161 with arginine.
Molecular consequence: missense variant.
Genome position (GRCh38, 1-based): chr22:25,231,635, G>A. VCF-style: chr22-25231635-G-A. GRCh37 (hg19) VCF-style: chr22-25627602-G-A.
Other names: short protein forms G161R.
Identifiers: ClinVar variation 4710844 (VCV004710844.1).
Genomic context (GRCh38, chr22:25,231,635, plus strand): 5'-TCACCCTCCCATCACCTCTGGCCCTGCAGGTGGGTTGGCTACCAGTACCCCGGCTACCGT[G>A]GGCTGCAGTACCTGCTGGAGAAGGGAGACTACAAGGACAGCAGCGACTTTGGGGCCCCTC-3'
Protein context (NP_000487.1, residues 151-171): WVGYQYPGYR[Gly161Arg]LQYLLEKGDY